The following is an entry in ClinVar:

NM_014915.3(ANKRD26):c.4820T>G (p.Met1607Arg)

Gene: ANKRD26 (ankyrin repeat domain 26; minus strand). Cytogenetic location: 10p12.1.
Variant type: single nucleotide variant.
Coding change: c.4820T>G on transcript NM_014915.3 (MANE Select); coding-DNA position 4820, T replaced by G.
Protein change: p.Met1607Arg; replaces methionine 1607 with arginine.
Molecular consequence: missense variant.
Genome position (GRCh38, 1-based): chr10:27,013,015, A>C on the plus strand (T>G on the coding strand, the complement: ANKRD26 is on the minus strand). VCF-style: chr10-27013015-A-C. GRCh37 (hg19) VCF-style: chr10-27301944-A-C.
Other names: c.4817T>G, p.Met1606Arg (NM_001256053.2); short protein forms M1606R, M1607R.
Identifiers: ClinVar variation 2957120 (VCV002957120.4), dbSNP rs1464218339, ClinGen allele CA376354777.

ClinVar aggregate classification (germline): Uncertain significance. Review status: criteria provided, multiple submitters, no conflicts (2 of 4 stars). 2 submissions from 2 submitters: Uncertain significance (2). Last evaluated 2025-06-14.

Conditions:
Inborn genetic diseases. Identifiers: MedGen C0950123, MeSH D030342.

Allele frequency attached by ClinVar (database versions not stated): gnomAD exomes below 0.00001.

Submissions (2):

Ambry Genetics
Classification: Uncertain significance for Inborn genetic diseases. Last evaluated: 2025-06-14. Review status: criteria provided, single submitter. Criteria: Ambry Variant Classification Scheme 2023. Collection method: clinical testing. Allele origin: germline.
Comment: The p.M1607R variant (also known as c.4820T>G), located in coding exon 32 of the ANKRD26 gene, results from a T to G substitution at nucleotide position 4820. The methionine at codon 1607 is replaced by arginine, an amino acid with similar properties. This amino acid position is conserved. In addition, this alteration is predicted to be tolerated by in silico analysis. Based on the available evidence, the clinical significance of this variant remains unclear.

Labcorp Genetics (formerly Invitae), Labcorp
Classification: Uncertain significance. Last evaluated: 2023-02-08. Review status: criteria provided, single submitter. Criteria: Invitae Variant Classification Sherloc (09022015). Collection method: clinical testing. Allele origin: germline.
Comment: This sequence change replaces methionine, which is neutral and non-polar, with arginine, which is basic and polar, at codon 1607 of the ANKRD26 protein (p.Met1607Arg). This variant is present in population databases (no rsID available, gnomAD 0.0009%). This variant has not been reported in the literature in individuals affected with ANKRD26-related conditions. Algorithms developed to predict the effect of missense changes on protein structure and function are either unavailable or do not agree on the potential impact of this missense change (SIFT: "Deleterious"; PolyPhen-2: "Benign"; Align-GVGD: "Class C0"). Algorithms developed to predict the effect of sequence changes on RNA splicing suggest that this variant may disrupt the consensus splice site. In summary, the available evidence is currently insufficient to determine the role of this variant in disease. Therefore, it has been classified as a Variant of Uncertain Significance.